The following is an entry in ClinVar:

ClinVar aggregate classification (germline): Pathogenic (1 of 4 stars; one submission).

Conditions:
Hereditary cancer-predisposing syndrome. Also called: Hereditary Cancer Syndrome; Hereditary neoplastic syndrome; Tumor predisposition; Neoplastic Syndromes, Hereditary. Identifiers: Orphanet 140162, MedGen C0027672, MeSH D009386, MONDO:0015356.
Cardiovascular phenotype. Identifiers: MedGen CN230736.

Submission:

Ambry Genetics
Classification: Pathogenic for Cardiovascular phenotype; Hereditary cancer-predisposing syndrome. Last evaluated: 2024-11-08. Review status: criteria provided, single submitter. Criteria: Ambry Variant Classification Scheme 2023. Collection method: clinical testing. Allele origin: germline.
Comment: The c.1915_1916delAC pathogenic mutation, located in coding exon 16 of the LZTR1 gene, results from a deletion of two nucleotides at nucleotide positions 1915 to 1916, causing a translational frameshift with a predicted alternate stop codon (p.T639Sfs*29). This alteration is expected to result in loss of function by premature protein truncation or nonsense-mediated mRNA decay. Loss-of-function variants in LZTR1 are related to an increased risk for schwannomas and autosomal recessive Noonan syndrome; however, such associations with autosomal dominant Noonan syndrome have not been observed (Piotrowski A et al. Nat Genet. 2014 Feb;46:182-7; Yamamoto GL et al. J Med Genet. 2015 Jun;52:413-21; Johnston JJ et al. Genet Med. 2018 10;20:1175-1185). Based on the supporting evidence, this variant is pathogenic for an increased risk of LZTR1-related schwannomatosis (SWN) and would be expected to cause autosomal recessive Noonan syndrome when present along with a second pathogenic or likely pathogenic variant on the other allele; however, the association of this alteration with autosomal dominant Noonan syndrome is unlikely.

NM_006767.4(LZTR1):c.1915_1916del (p.Thr639fs)

Gene: LZTR1 (leucine zipper like post translational regulator 1; plus strand). Cytogenetic location: 22q11.21.
Variant type: Deletion.
Coding change: c.1915_1916del on transcript NM_006767.4 (MANE Select); coding-DNA positions 1915 to 1916, 2 bases deleted (AC; older notation c.1915_1916delAC).
Protein change: p.Thr639fs; shifts the reading frame from threonine 639.
Molecular consequence: frameshift variant.
Genome position (GRCh38, 1-based): chr22:20,994,999-20,995,000, AC deleted; deleting any 2 consecutive bases within chr22:20,994,998-20,995,000 gives the same sequence; the c. name uses the placement nearest the transcript's 3' end. VCF-style (leftmost placement, unchanged base first): chr22-20994997-GCA-G. GRCh37 (hg19) VCF-style: chr22-21349286-GCA-G.
Other names: short protein forms T639fs.
Identifiers: ClinVar variation 3541688 (VCV003541688.1).